The following is an entry in ClinVar:

ClinVar aggregate classification (germline): Benign. Review status: criteria provided, multiple submitters, no conflicts (2 of 4 stars). 7 submissions from 7 submitters: Benign (7). Last evaluated 2026-02-04.

Conditions:
ALG1-congenital disorder of glycosylation. Also called: CDG Ik; CONGENITAL DISORDER OF GLYCOSYLATION, TYPE Ik; ALG1-CDG. Identifiers: Orphanet 79327, MedGen C2931005, MONDO:0012052, OMIM 608540.

Allele frequency attached by ClinVar (database versions not stated): 1000 Genomes Project 0.17672; 1000 Genomes Project 30x 0.17770; TOPMed 0.24033; ESP Exome Variant Server 0.24142.
gnomAD v4.1: 443,422 of 1,609,144 alleles (28%); highest among the groups gnomAD compares: Admixed American, 35%; 65,092 homozygotes.

Submissions (7):

Labcorp Genetics (formerly Invitae), Labcorp
Classification: Benign for ALG1-congenital disorder of glycosylation. Last evaluated: 2026-02-04. Review status: criteria provided, single submitter. Criteria: Invitae Variant Classification Sherloc (09022015). Collection method: clinical testing. Allele origin: germline.

Fulgent Genetics
Classification: Benign for ALG1-congenital disorder of glycosylation. Last evaluated: 2022-04-08. Review status: criteria provided, single submitter. Criteria: ACMG Guidelines, 2015. Collection method: clinical testing. Allele origin: unknown.

Women's Health and Genetics/Laboratory Corporation of America, LabCorp
Classification: Benign. Last evaluated: 2022-03-18. Review status: criteria provided, single submitter. Criteria: LabCorp Variant Classification Summary - May 2015. Collection method: clinical testing. Allele origin: germline.

Mayo Clinic Laboratories, Mayo Clinic
Classification: Benign. Last evaluated: 2017-12-19. Review status: criteria provided, single submitter. Criteria: ACMG Guidelines, 2015. Collection method: clinical testing. Allele origin: germline. Observed: 23 variant alleles.

Eurofins Ntd Llc (ga)
Classification: Benign. Last evaluated: 2017-03-13. Review status: criteria provided, single submitter. Criteria: EGL Classification Definitions 2015. Collection method: clinical testing. Allele origin: germline. Observed: 37 variant alleles, 28 heterozygotes, 9 homozygotes.

GeneDx
Classification: Benign. Last evaluated: 2015-12-17. Review status: criteria provided, single submitter. Criteria: GeneDx Variant Classification (06012015). Collection method: clinical testing. Allele origin: germline. Affected: yes.
Comment: This variant is considered likely benign or benign based on one or more of the following criteria: it is a conservative change, it occurs at a poorly conserved position in the protein, it is predicted to be benign by multiple in silico algorithms, and/or has population frequency not consistent with disease.

Breakthrough Genomics
Classification: Benign. Review status: criteria provided, single submitter. Criteria: ACMG Guidelines, 2015. Collection method: not provided. Allele origin: germline. Inheritance: Autosomal recessive inheritance. Affected: yes.

NM_019109.5(ALG1):c.390+13C>T

Gene: ALG1 (ALG1 chitobiosyldiphosphodolichol beta-mannosyltransferase; plus strand). Cytogenetic location: 16p13.3.
Variant type: single nucleotide variant.
Coding change: c.390+13C>T on transcript NM_019109.5 (MANE Select); 13 bases into the intron after coding-DNA position 390, C replaced by T.
Molecular consequence: intron variant.
Genome position (GRCh38, 1-based): chr16:5,073,269, C>T. VCF-style: chr16-5073269-C-T. GRCh37 (hg19) VCF-style: chr16-5123270-C-T.
Other names: p.?; c.57+13C>T (NM_001330504.2).
Identifiers: ClinVar variation 95936 (VCV000095936.17), dbSNP rs62036244, ClinGen allele CA149058.